The following is an entry in ClinVar:

NM_005004.4(NDUFB8):c.169A>C (p.Met57Leu)

Gene: NDUFB8 (NADH:ubiquinone oxidoreductase subunit B8; minus strand). Cytogenetic location: 10q24.31.
Variant type: single nucleotide variant.
Coding change: c.169A>C on transcript NM_005004.4 (MANE Select); coding-DNA position 169, A replaced by C.
Protein change: p.Met57Leu; replaces methionine 57 with leucine.
Molecular consequence: missense variant.
Genome position (GRCh38, 1-based): chr10:100,529,423, T>G on the plus strand (A>C on the coding strand, the complement: NDUFB8 is on the minus strand). VCF-style: chr10-100529423-T-G. GRCh37 (hg19) VCF-style: chr10-102289180-T-G.
Other names: c.169A>C, p.Met57Leu (NM_001284367.2); c.76A>C, p.Met26Leu (NM_001284368.1); c.169A>C (NM_005004.2); short protein forms M57L, M26L.
Identifiers: ClinVar variation 2889726 (VCV002889726.4), dbSNP rs371166959, ClinGen allele CA5650238.
Genomic context (GRCh38, chr10:100,529,423, plus strand): 5'-TACCCTCTCTGTCTCACCCCATGCCATCATCCGGGTAAGGTTCGTAGTCTTCCACACGCA[T>G]ATTATACTTCTTGGCGGCGGCGGCCCGTTCTTCTGGGGTCCTAGGATAGGGCCCCGGGAA-3'
Protein context (NP_004995.1, residues 47-67): ERAAAAKKYN[Met57Leu]RVEDYEPYPD

ClinVar aggregate classification (germline): Uncertain significance. Review status: criteria provided, multiple submitters, no conflicts (2 of 4 stars). 2 submissions from 2 submitters: Uncertain significance (2). Last evaluated 2024-09-28.

Conditions:
Inborn genetic diseases. Identifiers: MedGen C0950123, MeSH D030342.

Allele frequency attached by ClinVar (database versions not stated): TOPMed 0.00004; ESP Exome Variant Server 0.00015; gnomAD exomes 0.00007; ExAC 0.00010.
gnomAD v4.1: 112 of 1,612,998 alleles (0.0069%); highest among the groups gnomAD compares: Non-Finnish European, 0.0089%; no homozygotes.

Submissions (2):

Labcorp Genetics (formerly Invitae), Labcorp
Classification: Uncertain significance. Last evaluated: 2024-09-28. Review status: criteria provided, single submitter. Criteria: Invitae Variant Classification Sherloc (09022015). Collection method: clinical testing. Allele origin: germline.
Comment: This sequence change replaces methionine, which is neutral and non-polar, with leucine, which is neutral and non-polar, at codon 57 of the NDUFB8 protein (p.Met57Leu). This variant is present in population databases (rs371166959, gnomAD 0.02%). This variant has not been reported in the literature in individuals affected with NDUFB8-related conditions. An algorithm developed to predict the effect of missense changes on protein structure and function outputs the following: PolyPhen-2: "Benign". The leucine amino acid residue is found in multiple mammalian species, which suggests that this missense change does not adversely affect protein function. In summary, the available evidence is currently insufficient to determine the role of this variant in disease. Therefore, it has been classified as a Variant of Uncertain Significance.

Ambry Genetics
Classification: Uncertain significance for Inborn genetic diseases. Last evaluated: 2024-01-03. Review status: criteria provided, single submitter. Criteria: Ambry Variant Classification Scheme 2023. Collection method: clinical testing. Allele origin: germline.